The following is an entry in ClinVar:

ClinVar aggregate classification (germline): Uncertain significance (1 of 4 stars; one submission).

Conditions:
Tuberous sclerosis 2 (TSC2). Identifiers: Orphanet 805, MedGen C1860707, MONDO:0013199, OMIM 613254.

gnomAD v4.1: 1 of 1,612,956 alleles (0.000062%); highest among the groups gnomAD compares: South Asian, 0.0011%; no homozygotes.

Submission:

Labcorp Genetics (formerly Invitae), Labcorp
Classification: Uncertain significance for Tuberous sclerosis 2. Last evaluated: 2023-05-29. Review status: criteria provided, single submitter. Criteria: Invitae Variant Classification Sherloc (09022015). Collection method: clinical testing. Allele origin: germline.
Comment: In summary, the available evidence is currently insufficient to determine the role of this variant in disease. Therefore, it has been classified as a Variant of Uncertain Significance. Algorithms developed to predict the effect of sequence changes on RNA splicing suggest that this variant may create or strengthen a splice site. Advanced modeling of protein sequence and biophysical properties (such as structural, functional, and spatial information, amino acid conservation, physicochemical variation, residue mobility, and thermodynamic stability) performed at Invitae indicates that this missense variant is not expected to disrupt TSC2 protein function. ClinVar contains an entry for this variant (Variation ID: 940756). This variant has not been reported in the literature in individuals affected with TSC2-related conditions. This variant is not present in population databases (gnomAD no frequency). This sequence change replaces serine, which is neutral and polar, with isoleucine, which is neutral and non-polar, at codon 999 of the TSC2 protein (p.Ser999Ile).

NM_000548.5(TSC2):c.2996G>T (p.Ser999Ile)

Gene: TSC2 (TSC complex subunit 2; plus strand). Cytogenetic location: 16p13.3.
Variant type: single nucleotide variant.
Coding change: c.2996G>T on transcript NM_000548.5 (MANE Select); coding-DNA position 2996, G replaced by T.
Protein change: p.Ser999Ile; replaces serine 999 with isoleucine.
Molecular consequence: missense variant.
Genome position (GRCh38, 1-based): chr16:2,079,061, G>T. VCF-style: chr16-2079061-G-T. GRCh37 (hg19) VCF-style: chr16-2129062-G-T.
Other names: c.2864G>T, p.Ser955Ile (NM_001077183.3, NM_001370404.1); c.2996G>T, p.Ser999Ile (NM_001114382.3); c.2756G>T, p.Ser919Ile (NM_001318827.2); c.2720G>T, p.Ser907Ile (NM_001318829.2); c.2264G>T, p.Ser755Ile (NM_001318831.2); c.2897G>T, p.Ser966Ile (NM_001318832.2); c.2867G>T, p.Ser956Ile (NM_001363528.2, NM_001370405.1, NM_021055.3); short protein forms S907I, S955I, S966I, S755I, S919I, S956I, S999I.
Identifiers: ClinVar variation 940756 (VCV000940756.9), dbSNP rs149808366, ClinGen allele CA394283743.
Genomic context (GRCh38, chr16:2,079,061, plus strand): 5'-CCCTGACCCTGGTCACGGCCTCTCCCTCCAGCAGGATACAGACGTCCCTCACCAGTGCCA[G>T]CTTGGGGTCTGCAGATGAGAACTCCGTGGCCCAGGCTGACGATAGCCTGAAAAACCTCCA-3'
Protein context (NP_000539.2, residues 989-1009): SRIQTSLTSA[Ser999Ile]LGSADENSVA